The following is an entry in ClinVar:

NM_005263.5(GFI1):c.584C>G (p.Pro195Arg)

Gene: GFI1 (growth factor independent 1 transcriptional repressor; minus strand). Cytogenetic location: 1p22.1.
Variant type: single nucleotide variant.
Coding change: c.584C>G on transcript NM_005263.5 (MANE Select); coding-DNA position 584, C replaced by G.
Protein change: p.Pro195Arg; replaces proline 195 with arginine.
Molecular consequence: missense variant.
Genome position (GRCh38, 1-based): chr1:92,480,803, G>C on the plus strand (C>G on the coding strand, the complement: GFI1 is on the minus strand). VCF-style: chr1-92480803-G-C. GRCh37 (hg19) VCF-style: chr1-92946360-G-C.
Other names: c.584C>G, p.Pro195Arg (NM_001127215.3, NM_001127216.3); short protein forms P195R.
Identifiers: ClinVar variation 3519822 (VCV003519822.1).

ClinVar aggregate classification (germline): Uncertain significance (1 of 4 stars; one submission).

Submission:

Ambry Genetics
Classification: Uncertain significance. Last evaluated: 2024-11-23. Review status: criteria provided, single submitter. Criteria: Ambry Variant Classification Scheme 2023. Collection method: clinical testing. Allele origin: germline.
Comment: The p.P195R variant (also known as c.584C>G), located in coding exon 3 of the GFI1 gene, results from a C to G substitution at nucleotide position 584. The proline at codon 195 is replaced by arginine, an amino acid with dissimilar properties. This amino acid position is conserved. In addition, this alteration is predicted to be tolerated by in silico analysis. Based on the available evidence, the clinical significance of this variant remains unclear.